The following is an entry in ClinVar:

ClinVar aggregate classification (germline): Benign. Review status: criteria provided, multiple submitters, no conflicts (2 of 4 stars). 4 submissions from 4 submitters: Benign (2). 2 of the submissions do not count toward it. Last evaluated 2018-08-30.

Allele frequency attached by ClinVar (database versions not stated): 1000 Genomes Project 0.29133; 1000 Genomes Project 30x 0.29169; TOPMed 0.43274; gnomAD 0.44593 and 0.45290; gnomAD exomes 0.58042.
gnomAD v4.1: 909,777 of 1,606,286 alleles (57%); highest among the groups gnomAD compares: Non-Finnish European, 64%; 274,952 homozygotes.

Submissions (4):

GeneDx
Classification: Benign. Last evaluated: 2018-08-30. Review status: criteria provided, single submitter. Criteria: GeneDx Variant Classification Process June 2021. Collection method: clinical testing. Allele origin: germline. Affected: yes.
Comment: This variant is associated with the following publications: (PMID: 30420299, 30782561, 27624799)

Breakthrough Genomics
Classification: Benign. Review status: criteria provided, single submitter. Criteria: ACMG Guidelines, 2015. Collection method: not provided. Allele origin: germline. Inheritance: Unknown mechanism. Affected: yes.

Clinical Genetics DNA and cytogenetics Diagnostics Lab, Erasmus MC, Erasmus Medical Center
Classification: Benign. Review status: no assertion criteria provided. Collection method: clinical testing. Allele origin: germline. Affected: yes. Study: VKGL Data-share Consensus. Not counted in ClinVar's aggregate classification.

Clinical Genetics, Academic Medical Center
Classification: Benign. Review status: no assertion criteria provided. Collection method: clinical testing. Allele origin: germline. Affected: yes. Study: VKGL Data-share Consensus. Not counted in ClinVar's aggregate classification.

NM_000040.3(APOC3):c.*71G>T

Gene: APOC3 (apolipoprotein C3; plus strand). Cytogenetic location: 11q23.3.
Variant type: single nucleotide variant.
Coding change: c.*71G>T on transcript NM_000040.3 (MANE Select); 71 bases downstream of the stop codon, G replaced by T.
Molecular consequence: 3 prime UTR variant.
Genome position (GRCh38, 1-based): chr11:116,832,955, G>T. VCF-style: chr11-116832955-G-T. GRCh37 (hg19) VCF-style: chr11-116703671-G-T.
Identifiers: ClinVar variation 1225805 (VCV001225805.7), dbSNP rs4225, ClinGen allele CA13493086.
Genomic context (GRCh38, chr11:116,832,955, plus strand): 5'-CCCCAAGTCCACCTGCCTATCCATCCTGCGAGCTCCTTGGGTCCTGCAATCTCCAGGGCT[G>T]CCCCTGTAGGTTGCTTAAAAGGGACAGTATTCTCAGTGCTCTCCTACCCCACCTCATGCC-3'